The following is an entry in ClinVar:

ClinVar aggregate classification (germline): Uncertain significance (1 of 4 stars; one submission).

Submission:

GeneDx
Classification: Uncertain significance. Last evaluated: 2022-06-07. Review status: criteria provided, single submitter. Criteria: GeneDx Variant Classification Process June 2021. Collection method: clinical testing. Allele origin: germline. Affected: yes.
Comment: Not observed at significant frequency in large population cohorts (gnomAD); In silico analysis supports that this missense variant has a deleterious effect on protein structure/function; Has not been previously published as pathogenic or benign to our knowledge

NM_001197104.2(KMT2A):c.4757T>C (p.Met1586Thr)

Gene: KMT2A (lysine methyltransferase 2A; plus strand). Cytogenetic location: 11q23.3.
Variant type: single nucleotide variant.
Coding change: c.4757T>C on transcript NM_001197104.2 (MANE Select); coding-DNA position 4757, T replaced by C.
Protein change: p.Met1586Thr; replaces methionine 1586 with threonine.
Molecular consequence: missense variant.
Genome position (GRCh38, 1-based): chr11:118,491,256, T>C. VCF-style: chr11-118491256-T-C. GRCh37 (hg19) VCF-style: chr11-118361971-T-C.
Other names: c.4856T>C, p.Met1619Thr (NM_001412597.1); c.4757T>C, p.Met1586Thr (NM_005933.4); short protein forms M1586T, M1619T.
Identifiers: ClinVar variation 1803377 (VCV001803377.1), dbSNP rs2496918584, ClinGen allele CA382834389.